The following is an entry in ClinVar:

ClinVar aggregate classification (germline): Uncertain significance. Review status: criteria provided, multiple submitters, no conflicts (2 of 4 stars). 4 submissions from 4 submitters: Uncertain significance (4). Last evaluated 2025-11-23.

Conditions:
Renal coloboma syndrome (PAPRS). Also called: COLOBOMA OF OPTIC NERVE WITH RENAL DISEASE; PAPILLORENAL SYNDROME WITH MILD OCULAR ABNORMALITIES; CONGENITAL ANOMALIES OF THE KIDNEY AND URINARY TRACT WITH OR WITHOUT OCULAR ABNORMALITIES; CAKUT WITH OR WITHOUT OCULAR ABNORMALITIES; OPTIC COLOBOMA, VESICOURETERAL REFLUX, AND RENAL ANOMALIES; OPTIC NERVE COLOBOMA WITH RENAL DISEASE. Identifiers: Orphanet 1475, MedGen C1852759, MONDO:0007352, OMIM 120330.
Focal segmental glomerulosclerosis 7 (FSGS7). Identifiers: Orphanet 656, MedGen C4014925, MONDO:0014451, OMIM 616002.
Inborn genetic diseases. Identifiers: MedGen C0950123, MeSH D030342.

Allele frequency attached by ClinVar (database versions not stated): gnomAD exomes 0.00003 and 0.00004; ExAC 0.00004; gnomAD 0.00004; TOPMed 0.00006; ESP Exome Variant Server 0.00008; 1000 Genomes Project 30x 0.00016; 1000 Genomes Project 0.00020.
gnomAD v4.1: 56 of 1,614,224 alleles (0.0035%); highest among the groups gnomAD compares: Middle Eastern, 0.033%; no homozygotes.

Submissions (4):

Labcorp Genetics (formerly Invitae), Labcorp
Classification: Uncertain significance for Renal coloboma syndrome; Focal segmental glomerulosclerosis 7. Last evaluated: 2025-11-23. Review status: criteria provided, single submitter. Criteria: Invitae Variant Classification Sherloc (09022015). Collection method: clinical testing. Allele origin: germline.
Comment: This sequence change replaces asparagine, which is neutral and polar, with serine, which is neutral and polar, at codon 214 of the PAX2 protein (p.Asn214Ser). This variant is present in population databases (rs148402788, gnomAD 0.01%). This variant has not been reported in the literature in individuals affected with PAX2-related conditions. ClinVar contains an entry for this variant (Variation ID: 424189). An algorithm developed to predict the effect of missense changes on protein structure and function (PolyPhen-2) suggests that this variant is likely to be tolerated. In summary, the available evidence is currently insufficient to determine the role of this variant in disease. Therefore, it has been classified as a Variant of Uncertain Significance.

Ambry Genetics
Classification: Uncertain significance for Inborn genetic diseases. Last evaluated: 2023-04-07. Review status: criteria provided, single submitter. Criteria: Ambry Variant Classification Scheme 2023. Collection method: clinical testing. Allele origin: germline.

Fulgent Genetics
Classification: Uncertain significance for Renal coloboma syndrome; Focal segmental glomerulosclerosis 7. Last evaluated: 2021-09-21. Review status: criteria provided, single submitter. Criteria: ACMG Guidelines, 2015. Collection method: clinical testing. Allele origin: unknown.

GeneDx
Classification: Uncertain significance. Last evaluated: 2017-03-22. Review status: criteria provided, single submitter. Criteria: GeneDx Variant Classification (06012015). Collection method: clinical testing. Allele origin: germline. Affected: yes.
Comment: The N237S variant in the PAX2 gene has not been reported previously as a pathogenic variant, nor as a benign variant, to our knowledge. The N237S variant is observed in 3/16,512 (0.02%) alleles from individuals of South Asian background in the ExAC dataset (Lek et al., 2016). This substitution occurs at a position that is conserved across species, and in silico analysis predicts this variant is probably damaging to the protein structure/function. However, the N237S variant is a conservative amino acid substitution, which is not likely to impact secondary protein structure as these residues share similar properties. We interpret N237S as a variant of uncertain significance.

NM_000278.5(PAX2):c.641A>G (p.Asn214Ser)

Gene: PAX2 (paired box 2; plus strand). Cytogenetic location: 10q24.31.
Variant type: single nucleotide variant.
Coding change: c.641A>G on transcript NM_000278.5 (MANE Select); coding-DNA position 641, A replaced by G.
Protein change: p.Asn214Ser; replaces asparagine 214 with serine.
Molecular consequence: missense variant.
Genome position (GRCh38, 1-based): chr10:100,806,454, A>G. VCF-style: chr10-100806454-A-G. GRCh37 (hg19) VCF-style: chr10-102566211-A-G.
Other names: c.734A>G, p.Asn245Ser (NM_001304569.2); c.710A>G, p.Asn237Ser (NM_003987.5, NM_003990.5); c.641A>G, p.Asn214Ser (NM_003988.5, NM_003989.5); c.710A>G (NM_003987.3); short protein forms N237S, N214S, N245S.
Identifiers: ClinVar variation 424189 (VCV000424189.10), dbSNP rs148402788, ClinGen allele CA5650823.
Genomic context (GRCh38, chr10:100,806,454, plus strand): 5'-TGGCGCTAACGCCCCGAGTGTCCATGTGTTCTCCAGATGTGTCTGAGGGCTCAGTCCCCA[A>G]TGGAGATTCCCAGAGTGGTGTGGACAGTTTGCGGAAGCACTTGCGAGCTGACACCTTCAC-3'
Protein context (NP_000269.3, residues 204-224): DEDVSEGSVP[Asn214Ser]GDSQSGVDSL